The following is an entry in ClinVar:

NM_000130.5(F5):c.750T>A (p.His250Gln)

Gene: F5 (coagulation factor V; minus strand). Cytogenetic location: 1q24.2.
Variant type: single nucleotide variant.
Coding change: c.750T>A on transcript NM_000130.5 (MANE Select); coding-DNA position 750, T replaced by A.
Protein change: p.His250Gln; replaces histidine 250 with glutamine.
Molecular consequence: missense variant.
Genome position (GRCh38, 1-based): chr1:169,556,848, A>T on the plus strand (T>A on the coding strand, the complement: F5 is on the minus strand). VCF-style: chr1-169556848-A-T. GRCh37 (hg19) VCF-style: chr1-169526086-A-T.
Other names: short protein forms H250Q.
Identifiers: ClinVar variation 1759269 (VCV001759269.2), dbSNP rs2526435811, ClinGen allele CA343135204.
Genomic context (GRCh38, chr1:169,556,848, plus strand): 5'-ATGAATGGAGAATAATTCTGGCCCCGAGCTCATTCCCAGCAGATGCCAGCTGATGTGGTC[A>T]TGGGCACAAACTGTTATATCTGAGAAAGAGGGAGAGACACAGGCCAAAATAAGCATTCAG-3'
Protein context (NP_000121.2, residues 240-260): GTMPDITVCA[His250Gln]DHISWHLLGM

ClinVar aggregate classification (germline): Uncertain significance (1 of 4 stars; one submission).

Conditions:
Inborn genetic diseases. Identifiers: MedGen C0950123, MeSH D030342.

Submission:

Ambry Genetics
Classification: Uncertain significance for Inborn genetic diseases. Last evaluated: 2022-10-09. Review status: criteria provided, single submitter. Criteria: Ambry Variant Classification Scheme 2023. Collection method: clinical testing. Allele origin: germline.
Comment: The p.H250Q variant (also known as c.750T>A), located in coding exon 6 of the F5 gene, results from a T to A substitution at nucleotide position 750. The histidine at codon 250 is replaced by glutamine, an amino acid with highly similar properties. This amino acid position is conserved. In addition, this alteration is predicted to be tolerated by in silico analysis. Since supporting evidence is limited at this time, the clinical significance of this alteration remains unclear.